The following continues an entry in ClinVar:

NM_004004.6(GJB2):c.-22-2A>C

Gene: GJB2. ClinVar aggregate classification (germline): Likely pathogenic. Likely pathogenic (1).

Submissions 19 to 27 of 34:

Victorian Clinical Genetics Services, Murdoch Childrens Research Institute
Classification: Likely pathogenic for Autosomal recessive nonsyndromic hearing loss 1A. Last evaluated: 2023-07-16. Review status: criteria provided, single submitter. Criteria: ACMG Guidelines, 2015. Collection method: clinical testing. Allele origin: germline. Inheritance: Autosomal recessive inheritance. Affected: yes. Not counted in ClinVar's aggregate classification.
Comment: Based on the classification scheme VCGS_Germline_v1.3.4, this variant is classified as Likely pathogenic. Following criteria are met: 0102 - Loss of function is a known mechanism of disease in this gene and is associated with both deafness and skin conditions (OMIM). Dominant negative is also a suggested mechanism (PMID: 28428247). (I) 0108 - This gene is associated with both recessive and dominant disease. The autosomal dominant diseases are commonly associated with pathogenic missense variants. The autosomal recessive disease is associated with bi-allelic loss-of-function variants and includes missense and protein truncating variants (NIH Genetics Home Reference, PMID: 12792423). (I) 0112 - The condition associated with this gene has incomplete penetrance (PMID:31160754). (I) 0115 - Variants in this gene are known to have variable expressivity. Severity can range from mild to profound with intrafamilial variability also commonly seen. Commonly, truncating variants are associated to a more severe hearing loss (PMID: 20301449). (I) 0209 - Splice site variant proven to affect splicing of the transcript with uncertain effect on protein sequence. RT-PCR performed on patient saliva RNA demonstrated that this variant abolishes the use of the WT acceptor splice site and introduces the use of two alternate acceptor splice sites, both of which are predicted to keep the coding region intact and are expressed at lower levels compared to the WT transcript. The residual expression of these two alternate transcripts has been hypothesized to explain for the milder phenotype observed in affected individuals although the exact effect is currently unknown. Additionally, as specific protein studies were not performed, the effect of the variant on protein sequence is still unclear (PMID: 24039984). (SP) 0251 - This variant is heterozygous. (I) 0304 - Variant is present in gnomAD (v2) <0.01 for a recessive condition (162 heterozygotes, 0 homozygotes). (SP) 0801 - This variant has very strong previous evidence of pathogenicity in unrelated individuals. This variant has been classified as likely pathogenic by the ClinGen Hearing Loss Variant Curation Expert Panel and associated with mild and moderate autosomal recessive non-syndromic hearing loss (ClinVar, PMID: 31053783). (SP) 0903 - This variant has limited evidence for segregation with disease. This variant has been shown to co-segregate with the NM_004004.6(GJB2):c.35del; p.(Gly12Valfs*2) variant in three siblings with mild postlingual hearing loss (PMID: 24039984). (SP) 1208 - Inheritance information for this variant is not currently available in this individual. (I) Legend: (SP) - Supporting pathogenic, (I) - Information, (SB) - Supporting benign

Neurogenetic Laboratory, Second Faculty of Medicine, Charles University
Classification: Uncertain significance for Autosomal recessive nonsyndromic hearing loss 1A. Last evaluated: 2021-03-30. Review status: criteria provided, single submitter. Criteria: ClinGen HL ACMG Specifications v1. Collection method: clinical testing. Allele origin: germline. Affected: yes. Not counted in ClinVar's aggregate classification.

INGEBI, INGEBI / CONICET
Classification: Likely pathogenic for Nonsyndromic hearing loss and deafness. Last evaluated: 2020-08-31. Review status: criteria provided, single submitter. Criteria: ClinGen HL ACMG Specifications v1. Collection method: clinical testing. Allele origin: germline. Inheritance: Autosomal recessive inheritance. Affected: yes. Observed: 1 variant allele, 1 compound heterozygote. Not counted in ClinVar's aggregate classification.
Comment: Based on ACMG/AMP guidelines and Hearing Loss Expert Panel specific criteria: the filtering allele frequency of the c.-22-2A>C variant in the GJB2 gene is 0.35% (of 47/10344 alleles Ashkenazi Jewish with chromosomes with 95% CI) from Genome Aggregation Database calculated by using inverse allele frequency at an online resource),applying to BS1 rule. The c.-22-2A>C variant has been detected in at least 4 patients with hearing loss in trans with the pathogenic c.35delG variant (PMID: 25401782, 24039984; Invitae internal data, SCV000935680.2; Laboratory of Physiology and Genetics of Hearing internal data described by ClinGen HL-EP). In addition to this, new evidence is considered since the c.-22-2A>C variant was reported in trans with p.Leu90Pro in a hearing impaired patient (PMID: 19814620, nomenclature issue checked with author: the variant called c.-24A>C in that paper is indeed c.-22-2A>C). In all those genotypes detected, patients exhibited postlingual mild-moderate hearing loss. Since this variant has a high frequency in population databases, the strength of PM3 rule was downgraded from very strong to moderate (PM3_Moderate). The c.[-22-2A>C];[35delG] genotype segregated in two affected and two unaffected members of the family (PP1_Strong; PMID: 24039984). RNA analysis showed that patients with the c.-22-2A>C variant used two alternative splice sites leading to slightly longer 5' UTR transcripts containing normal coding region but with alternated expression. This variant is suspected to be a hypomorphic allele resulting in a postlingual mild-moderate hearing loss phenotype (PS3_Supporting; PMID: 24039984). Therefore, this variant meets criteria to be classified as likely pathogenic for autosomal recessive non-syndromic hearing loss (BS1, PM3_Moderate, PP1_Strong, PS3_Supporting).

Illumina Laboratory Services, Illumina
Classification: Likely pathogenic for Autosomal recessive nonsyndromic hearing loss 1A. Last evaluated: 2018-08-16. Review status: criteria provided, single submitter. Criteria: ICSL Variant Classification Criteria 09 May 2019. Collection method: clinical testing. Allele origin: germline. Not counted in ClinVar's aggregate classification.
Comment: The GJB2 c.-22-2A>C variant occurs in a canonical splice site (acceptor) and is therefore predicted to disrupt or distort the normal gene product. The c.-22-2A>C variant has been identified in a compound heterozygous state in four individuals with hearing loss. Three of these individuals were from a single Spanish family and exhibited mild, postlingual hearing impairment, with onset in the third to fourth decade of life (GandÃ­a et al. 2013). In all four cases, the c.-22-2A>C variant was found in trans with a well-known pathogenic null variant, c.35delG. The Spanish pedigree also included two normal hearing heterozygous individuals, consistent with a recessive pattern of inheritance. The variant was absent from 92 normal hearing control individuals and is reported at a frequency of 0.004539 in the Ashkenazi Jewish population of the Genome Aggregation Consortium. Quantitative RT-PCR experiments indicated that the variant abolishes the canonical acceptor splice site for intron 1 of GJB2 but that a reduced amount of transcript is produced via an alternative acceptor splice site (GandÃ­a et al. 2013). Based on the evidence, the c.-22-2A>C allele is classified as likely pathogenic for autosomal recessive nonsyndromic hearing loss. This variant was observed by ICSL as part of a predisposition screen in an ostensibly healthy population.

Illumina Laboratory Services, Illumina
Classification: Benign for Autosomal dominant keratitis-ichthyosis-hearing loss syndrome. Last evaluated: 2017-08-23. Review status: criteria provided, single submitter. Criteria: ICSL Variant Classification Criteria 13 December 2019. Collection method: clinical testing. Allele origin: germline. Not counted in ClinVar's aggregate classification.
Comment: This variant was observed as part of a predisposition screen in an ostensibly healthy population. A literature search was performed for the gene, cDNA change, and amino acid change (where applicable). No publications were found based on this search. Allele frequency data from public databases was too high to be consistent with this variant causing disease. Therefore, this variant is classified as benign.

Illumina Laboratory Services, Illumina
Classification: Benign for Autosomal dominant nonsyndromic hearing loss 3A. Last evaluated: 2017-08-23. Review status: criteria provided, single submitter. Criteria: ICSL Variant Classification Criteria 13 December 2019. Collection method: clinical testing. Allele origin: germline. Not counted in ClinVar's aggregate classification.
Comment: This variant was observed as part of a predisposition screen in an ostensibly healthy population. A literature search was performed for the gene, cDNA change, and amino acid change (where applicable). Publications were found based on this search. The evidence from the literature, in combination with allele frequency data from public databases where available, was sufficient to rule this variant out of causing disease. Therefore, this variant is classified as benign.

Knight Diagnostic Laboratories, Oregon Health and Sciences University
Classification: Pathogenic for Autosomal recessive nonsyndromic hearing loss 1A. Last evaluated: 2016-04-08. Review status: criteria provided, single submitter. Criteria: ACMG Guidelines, 2015. Collection method: clinical testing. Allele origin: germline. Affected: no. Study: CSER-NextGen. Not counted in ClinVar's aggregate classification.
Comment: The c.-22-2A>C splice-acceptor variant in the GJB2 gene has been previously reported in 3 individuals within one generation of a single family affected with Deafness and Hearing Loss (GandÃ­a et al., 2013). In all cases, this variant was observed in trans with the well-established pathogenic variant 35delG; however, these individuals experienced mild to moderate hearing loss that developed in the 3rd-4th decade of life (postlingual) (GandÃ­a et al., 2013). Functional splicing studies have demonstrated this variant abolishes the canonical splice-acceptor site for intron 1 of GJB2. The loss of the canonical splice-site results in a longer transcript caused by an alternative splice-acceptor site that is within intron 1(GandÃ­a et al., 2013). This variant is reported at low frequency in the population databases (Exome Sequencing Project = 0.058%; 1000 Genomes = 0%; and ExAC = 0.114%). Therefore, this collective evidence supports the classification of the c.-22-2A>C as a Pathogenic variant for Deafness and Hearing Loss. We have confirmed this finding in our laboratory using Sanger sequencing.

Counsyl
Classification: Uncertain significance for Autosomal recessive nonsyndromic hearing loss 1A. Last evaluated: 2019-04-01. Review status: no assertion criteria provided. Collection method: clinical testing. Allele origin: unknown. Not counted in ClinVar's aggregate classification.

Dr. Peter K. Rogan Lab, Western University
No classification provided (evidence only). Condition: Malignant tumor of urinary bladder. Review status: no classification provided. Collection method: in vitro. Allele origin: not applicable. Functional consequence: retained intron. Not counted in ClinVar's aggregate classification.